The following is an entry in ClinVar:

ClinVar aggregate classification (germline): Benign/Likely benign. Review status: criteria provided, multiple submitters, no conflicts (2 of 4 stars). 3 submissions from 3 submitters: Benign (1); Likely benign (2). Last evaluated 2025-07-15.

Conditions:
Hereditary cancer-predisposing syndrome. Also called: Hereditary neoplastic syndrome; Tumor predisposition; Neoplastic Syndromes, Hereditary; Hereditary Cancer Syndrome. Identifiers: Orphanet 140162, MedGen C0027672, MeSH D009386, MONDO:0015356.
Hereditary diffuse gastric adenocarcinoma (HDGC). Also called: DIFFUSE GASTRIC AND LOBULAR BREAST CANCER SYNDROME. Identifiers: Orphanet 26106, MedGen C1708349, MONDO:0007648, OMIM 137215.

Allele frequency attached by ClinVar (database versions not stated): gnomAD exomes below 0.00001 and 0.00001.
gnomAD v4.1: 5 of 1,614,228 alleles (0.00031%); highest among the groups gnomAD compares: Non-Finnish European, 0.00042%; no homozygotes.

Submissions (3):

Labcorp Genetics (formerly Invitae), Labcorp
Classification: Likely benign. Last evaluated: 2025-07-15. Review status: criteria provided, single submitter. Criteria: Invitae Variant Classification Sherloc (09022015). Collection method: clinical testing. Allele origin: germline.

Myriad Genetics, Inc.
Classification: Benign for Hereditary diffuse gastric adenocarcinoma. Last evaluated: 2024-10-11. Review status: criteria provided, single submitter. Criteria: Myriad Autosomal Dominant, Autosomal Recessive and X-Linked Classification Criteria (2023). Collection method: clinical testing. Allele origin: unknown.
Comment: This variant is considered benign. This variant is a silent/synonymous amino acid change and it is not expected to impact splicing.

Ambry Genetics
Classification: Likely benign for Hereditary cancer-predisposing syndrome. Last evaluated: 2020-04-15. Review status: criteria provided, single submitter. Criteria: Ambry Variant Classification Scheme 2023. Collection method: clinical testing. Allele origin: germline.

NM_001903.5(CTNNA1):c.1476A>G (p.Glu492=)

Gene: CTNNA1 (catenin alpha 1; plus strand). Cytogenetic location: 5q31.2.
Variant type: single nucleotide variant.
Coding change: c.1476A>G on transcript NM_001903.5 (MANE Select); coding-DNA position 1476, A replaced by G.
Protein change: p.Glu492=; no amino-acid change (glutamic acid 492 retained).
Molecular consequence: synonymous variant.
Genome position (GRCh38, 1-based): chr5:138,917,828, A>G. VCF-style: chr5-138917828-A-G. GRCh37 (hg19) VCF-style: chr5-138253517-A-G.
Other names: c.1476A>G, p.Glu492= (NM_001290307.3, NM_001323982.2, NM_001323983.1 and 2 more transcripts); c.1167A>G, p.Glu389= (NM_001290309.3); c.1107A>G, p.Glu369= (NM_001290310.3); c.366A>G, p.Glu122= (NM_001290312.1, NM_001323987.1, NM_001323988.1 and 17 more transcripts); c.1383A>G, p.Glu461= (NM_001323986.2); c.27A>G, p.Glu9= (NM_001324006.1, NM_001324007.1, NM_001324008.1 and 2 more transcripts); c.273A>G, p.Glu91= (NM_001324011.1); c.123A>G, p.Glu41= (NM_001324012.1, NM_001324013.1).
Identifiers: ClinVar variation 1145906 (VCV001145906.12), dbSNP rs1304802844, ClinGen allele CA446596178.